The following is an entry in ClinVar:

NM_006846.4(SPINK5):c.316G>A (p.Asp106Asn)

Gene: SPINK5 (serine peptidase inhibitor Kazal type 5; plus strand). Cytogenetic location: 5q32.
Variant type: single nucleotide variant.
Coding change: c.316G>A on transcript NM_006846.4 (MANE Select); coding-DNA position 316, G replaced by A.
Protein change: p.Asp106Asn; replaces aspartic acid 106 with asparagine.
Molecular consequence: missense variant.
Genome position (GRCh38, 1-based): chr5:148,086,438, G>A. VCF-style: chr5-148086438-G-A. GRCh37 (hg19) VCF-style: chr5-147466001-G-A.
Other names: p.D106N:GAT>AAT; p.Asp106Asn; c.316G>A, p.Asp106Asn (NM_001127698.2, NM_001127699.2); short protein forms D106N.
Identifiers: ClinVar variation 139254 (VCV000139254.20), dbSNP rs17860502, ClinGen allele CA293684.

ClinVar aggregate classification (germline): Benign/Likely benign. Review status: criteria provided, multiple submitters, no conflicts (2 of 4 stars). 7 submissions from 7 submitters: Benign (5); Likely benign (2). Last evaluated 2026-02-03.

Conditions:
Ichthyosis linearis circumflexa. Identifiers: MedGen C0265962, MONDO:0043106, HP:0025810.
Netherton syndrome (NETH). Also called: ERYTHRODERMA, ICHTHYOSIFORM, WITH HYPOTRICHOSIS AND HYPER-IgE; COMEL-NETHERTON SYNDROME; NETHERTON DISEASE. Identifiers: Orphanet 634, MedGen C5574950, MONDO:0009735, OMIM 256500.

Allele frequency attached by ClinVar (database versions not stated): ESP Exome Variant Server 0.02304; TOPMed 0.03113; gnomAD 0.03121 and 0.03421; gnomAD exomes 0.03972 and 0.04552; ExAC 0.04423; 1000 Genomes Project 30x 0.05059; 1000 Genomes Project 0.05232.
gnomAD v4.1: 62,986 of 1,611,568 alleles (3.9%); highest among the groups gnomAD compares: East Asian, 16%; 1,786 homozygotes.

Submissions (7):

Labcorp Genetics (formerly Invitae), Labcorp
Classification: Benign for Ichthyosis linearis circumflexa. Last evaluated: 2026-02-03. Review status: criteria provided, single submitter. Criteria: Invitae Variant Classification Sherloc (09022015). Collection method: clinical testing. Allele origin: germline.

Women's Health and Genetics/Laboratory Corporation of America, LabCorp
Classification: Likely benign. Last evaluated: 2026-01-21. Review status: criteria provided, single submitter. Criteria: LabCorp Variant Classification Summary - May 2015. Collection method: clinical testing. Allele origin: germline.

Blueprint Genetics
Classification: Likely benign. Last evaluated: 2024-11-26. Review status: criteria provided, single submitter. Criteria: ACMG Guidelines, 2015. Collection method: clinical testing. Allele origin: germline.

Department of Pathology and Laboratory Medicine, Sinai Health System
Classification: Benign for Netherton syndrome. Last evaluated: 2023-01-18. Review status: criteria provided, single submitter. Criteria: ACMG Guidelines, 2015. Collection method: research. Allele origin: germline.

Mayo Clinic Laboratories, Mayo Clinic
Classification: Benign. Last evaluated: 2021-12-14. Review status: criteria provided, single submitter. Criteria: ACMG Guidelines, 2015. Collection method: clinical testing. Allele origin: germline. Observed: 11 variant alleles.
Comment: BA1, BS2, BP4

Illumina Laboratory Services, Illumina
Classification: Benign for Netherton syndrome. Last evaluated: 2018-01-13. Review status: criteria provided, single submitter. Criteria: ICSL Variant Classification Criteria 13 December 2019. Collection method: clinical testing. Allele origin: germline.
Comment: This variant was observed in the ICSL laboratory as part of a predisposition screen in an ostensibly healthy population. It had not been previously curated by ICSL or reported in the Human Gene Mutation Database (HGMD: prior to June 1st, 2018), and was therefore a candidate for classification through an automated scoring system. Utilizing variant allele frequency, disease prevalence and penetrance estimates, and inheritance mode, an automated score was calculated to assess if this variant is too frequent to cause the disease. Based on the score and internal cut-off values, a variant classified as benign is not then subjected to further curation. The score for this variant resulted in a classification of benign for this disease.

GeneDx
Classification: Benign. Last evaluated: 2014-01-08. Review status: criteria provided, single submitter. Criteria: GeneDx Variant Classification (06012015). Collection method: clinical testing. Allele origin: germline. Affected: yes.
Comment: This variant is considered likely benign or benign based on one or more of the following criteria: it is a conservative change, it occurs at a poorly conserved position in the protein, it is predicted to be benign by multiple in silico algorithms, and/or has population frequency not consistent with disease.